The following is an entry in ClinVar:

ClinVar aggregate classification (germline): Uncertain significance (1 of 4 stars; one submission).

Conditions:
Hyperaldosteronism, familial, type IV (HALD4). Also called: FH IV; ALDOSTERONISM, PRIMARY, AND HYPERTENSION. Identifiers: Orphanet 642671, MedGen C4310756, MONDO:0014875, OMIM 617027.
Idiopathic generalized epilepsy. Also called: Generalised epilepsy; EIG. Identifiers: MedGen C0270850, MONDO:0005579, OMIM 600669.

Submission:

Labcorp Genetics (formerly Invitae), Labcorp
Classification: Uncertain significance for Idiopathic generalized epilepsy; Hyperaldosteronism, familial, type IV. Last evaluated: 2022-05-13. Review status: criteria provided, single submitter. Criteria: Invitae Variant Classification Sherloc (09022015). Collection method: clinical testing. Allele origin: germline.
Comment: In summary, the available evidence is currently insufficient to determine the role of this variant in disease. Therefore, it has been classified as a Variant of Uncertain Significance. Advanced modeling of protein sequence and biophysical properties (such as structural, functional, and spatial information, amino acid conservation, physicochemical variation, residue mobility, and thermodynamic stability) performed at Invitae indicates that this missense variant is not expected to disrupt CACNA1H protein function. This variant has not been reported in the literature in individuals affected with CACNA1H-related conditions. This variant is not present in population databases (gnomAD no frequency). This sequence change replaces aspartic acid, which is acidic and polar, with alanine, which is neutral and non-polar, at codon 2036 of the CACNA1H protein (p.Asp2036Ala).

NM_021098.3(CACNA1H):c.6107A>C (p.Asp2036Ala)

Gene: CACNA1H (calcium voltage-gated channel subunit alpha1 H; plus strand). Cytogenetic location: 16p13.3.
Variant type: single nucleotide variant.
Coding change: c.6107A>C on transcript NM_021098.3 (MANE Select); coding-DNA position 6107, A replaced by C.
Protein change: p.Asp2036Ala; replaces aspartic acid 2036 with alanine.
Molecular consequence: missense variant.
Genome position (GRCh38, 1-based): chr16:1,220,039, A>C. VCF-style: chr16-1220039-A-C. GRCh37 (hg19) VCF-style: chr16-1270039-A-C.
Other names: c.6089A>C, p.Asp2030Ala (NM_001005407.2); short protein forms D2036A, D2030A.
Identifiers: ClinVar variation 2037965 (VCV002037965.4), dbSNP rs942219537, ClinGen allele CA394149092.
Genomic context (GRCh38, chr16:1,220,039, plus strand): 5'-AGGAGGCTGTGCACACCGATTCCTTGGAAGGGAAGATTGACAGCCCTAGGGACACCCTGG[A>C]TCCTGCAGAGCCTGGTGAGAAAACCCCGGTGAGGCCGGTGACCCAGGGGGGCTCCCTGCA-3'
Protein context (NP_066921.2, residues 2026-2046): GKIDSPRDTL[Asp2036Ala]PAEPGEKTPV